The following is an entry in ClinVar:

ClinVar aggregate classification (germline): Pathogenic/Likely pathogenic. Review status: criteria provided, multiple submitters, no conflicts (2 of 4 stars). 3 submissions from 3 submitters: Pathogenic (2); Likely pathogenic (1). Last evaluated 2025-09-22.

Conditions:
COMP-related disorder. Also called: COMP-related disorders; COMP-related condition.
Multiple epiphyseal dysplasia type 1. Also called: COMP-Related Multiple Epiphyseal Dysplasia. Identifiers: Orphanet 93308, MedGen C1838280, MONDO:0007561, OMIM 132400.

Submissions (3):

Labcorp Genetics (formerly Invitae), Labcorp
Classification: Likely pathogenic. Last evaluated: 2025-09-22. Review status: criteria provided, single submitter. Criteria: Invitae Variant Classification Sherloc (09022015). Collection method: clinical testing. Allele origin: germline.
Comment: This sequence change replaces aspartic acid, which is acidic and polar, with asparagine, which is neutral and polar, at codon 326 of the COMP protein (p.Asp326Asn). This variant is not present in population databases (gnomAD no frequency). This missense change has been observed in individual(s) with COMP-related conditions (PMID: 27432013, 30408610, 34750995). In at least one individual the variant was observed to be de novo. ClinVar contains an entry for this variant (Variation ID: 1332822). An algorithm developed to predict the effect of missense changes on protein structure and function (PolyPhen-2) suggests that this variant is likely to be disruptive. This variant disrupts the p.Asp326 amino acid residue in COMP. Other variant(s) that disrupt this residue have been observed in individuals with COMP-related conditions (PMID: 21922596), which suggests that this may be a clinically significant amino acid residue. In summary, the currently available evidence indicates that the variant is pathogenic, but additional data are needed to prove that conclusively. Therefore, this variant has been classified as Likely Pathogenic.

3billion
Classification: Pathogenic for COMP-related disorder. Last evaluated: 2024-10-11. Review status: criteria provided, single submitter. Criteria: ACMG Guidelines, 2015. Collection method: clinical testing. Allele origin: germline. Affected: yes.
Comment: The variant is not observed in the gnomAD v4.1.0 dataset. Predicted Consequence/Location: Missense variant. Missense changes are a common disease-causing mechanism. In silico tool predictions suggest damaging effect of the variant on gene or gene product [REVEL: 0.85 (>=0.6, sensitivity 0.68 and specificity 0.92); 3Cnet: 0.97 (>=0.6, sensitivity 0.72 and precision 0.9)]. The same nucleotide change resulting in the same amino acid change has been previously reported as pathogenic/likely pathogenic with strong evidence (ClinVar ID: VCV001332822 /PMID: 27432013). The variant has been previously reported as assumed (i.e. paternity and maternity not confirmed) de novo in at least one similarly affected unrelated individual (PMID: 27432013). Different missense changes at the same codon (p.Asp326Gly, p.Asp326Tyr) have been reported to be associated with COMP related disorder (PMID: 21922596). Therefore, this variant is classified as Pathogenic according to the recommendation of ACMG/AMP guideline.

Kasturba Medical College, Manipal, Kasturba Medical College, Manipal, Manipal Academy of Higher Education, Manipal, India
Classification: Pathogenic for Multiple epiphyseal dysplasia type 1. Review status: criteria provided, single submitter. Criteria: ACMG Guidelines, 2015. Collection method: clinical testing. Allele origin: de novo. Inheritance: Autosomal dominant inheritance. Affected: yes.

Literature cited by the submitters: PubMed 27432013 (cited by Labcorp Genetics (formerly Invitae), Labcorp and 3billion); PubMed 30408610 (cited by Labcorp Genetics (formerly Invitae), Labcorp and Kasturba Medical College, Manipal, Kasturba Medical College, Manipal, Manipal Academy of Higher Education, Manipal, India); PubMed 34750995 (cited by Labcorp Genetics (formerly Invitae), Labcorp); PubMed 21922596 (cited by Labcorp Genetics (formerly Invitae), Labcorp and 3billion).

NM_000095.3(COMP):c.976G>A (p.Asp326Asn)

Gene: COMP (cartilage oligomeric matrix protein; minus strand). Cytogenetic location: 19p13.11.
Variant type: single nucleotide variant.
Coding change: c.976G>A on transcript NM_000095.3 (MANE Select); coding-DNA position 976, G replaced by A.
Protein change: p.Asp326Asn; replaces aspartic acid 326 with asparagine.
Molecular consequence: missense variant.
Genome position (GRCh38, 1-based): chr19:18,787,650, C>T on the plus strand (G>A on the coding strand, the complement: COMP is on the minus strand). VCF-style: chr19-18787650-C-T. GRCh37 (hg19) VCF-style: chr19-18898459-C-T.
Other names: short protein forms D326N.
Identifiers: ClinVar variation 1332822 (VCV001332822.7), dbSNP rs2145902345, ClinGen allele CA404890558.